The following is an entry in ClinVar:

NM_005356.5(LCK):c.797G>A (p.Gly266Glu)

Gene: LCK (LCK proto-oncogene, Src family tyrosine kinase; plus strand). Cytogenetic location: 1p35.2.
Variant type: single nucleotide variant.
Coding change: c.797G>A on transcript NM_005356.5 (MANE Select); coding-DNA position 797, G replaced by A.
Protein change: p.Gly266Glu; replaces glycine 266 with glutamic acid.
Molecular consequence: missense variant.
Genome position (GRCh38, 1-based): chr1:32,276,619, G>A. VCF-style: chr1-32276619-G-A. GRCh37 (hg19) VCF-style: chr1-32742220-G-A.
Other names: c.797G>A, p.Gly266Glu (NM_001042771.3); c.644G>A, p.Gly215Glu (NM_001330468.2); short protein forms G266E, G215E.
Identifiers: ClinVar variation 1994652 (VCV001994652.4), dbSNP rs1640281067, ClinGen allele CA339639575.

ClinVar aggregate classification (germline): Uncertain significance (1 of 4 stars; one submission).

Conditions:
Severe combined immunodeficiency due to LCK deficiency. Also called: Immunodeficiency 22. Identifiers: Orphanet 280142, MedGen C4014233, MONDO:0014334, OMIM 615758.

Allele frequency attached by ClinVar (database versions not stated): TOPMed below 0.00001.

Submission:

Labcorp Genetics (formerly Invitae), Labcorp
Classification: Uncertain significance for Severe combined immunodeficiency due to LCK deficiency. Last evaluated: 2022-05-15. Review status: criteria provided, single submitter. Criteria: Invitae Variant Classification Sherloc (09022015). Collection method: clinical testing. Allele origin: germline.
Comment: This variant has not been reported in the literature in individuals affected with LCK-related conditions. In summary, the available evidence is currently insufficient to determine the role of this variant in disease. Therefore, it has been classified as a Variant of Uncertain Significance. Algorithms developed to predict the effect of missense changes on protein structure and function output the following: SIFT: "Deleterious"; PolyPhen-2: "Possibly Damaging"; Align-GVGD: "Class C65". The glutamic acid amino acid residue is found in multiple mammalian species, which suggests that this missense change does not adversely affect protein function. This variant is not present in population databases (gnomAD no frequency). This sequence change replaces glycine, which is neutral and non-polar, with glutamic acid, which is acidic and polar, at codon 266 of the LCK protein (p.Gly266Glu).